The following is an entry in ClinVar:

ClinVar aggregate classification (germline): Pathogenic/Likely pathogenic. Review status: criteria provided, multiple submitters, no conflicts (2 of 4 stars). 4 submissions from 4 submitters: Pathogenic (2); Likely pathogenic (2). Last evaluated 2026-09-08.

Conditions:
Cardiomyopathy (CMYO). Also called: Cardiomyopathies. Identifiers: Orphanet 167848, MedGen C0878544, MONDO:0004994, HP:0001638. Inheritance: Various modes of inheritance.
Fabry disease. Also called: Fabry's disease; Angiokeratoma corporis diffusum; GLA DEFICIENCY; HEREDITARY DYSTOPIC LIPIDOSIS; ALPHA-GALACTOSIDASE A DEFICIENCY; ANDERSON-FABRY DISEASE. Identifiers: Orphanet 324, MedGen C0002986, MONDO:0010526, OMIM 301500, HP:0001071. Disease mechanism: loss of function, Fabry disease is due to inactivating mutations in the X-linked GLA gene resulting in deficiency of the enzyme Alpha Galactosidase-A..

Submissions (4):

Genomenon, Inc
Classification: Likely pathogenic for Fabry disease. Last evaluated: 2026-09-08. Review status: criteria provided, single submitter. Criteria: Genomenon Sequence Variant Interpretation Standards - Updated. Collection method: curation. Allele origin: germline. Affected: no.
Comment: GLA p.Gln99LysfsTer22 (c.295del) is a frameshift variant that is predicted to introduce a premature termination codon and result in a truncated or absent protein product. This variant has been reported in the published literature (PMID:41204227). It is absent or not present at a significant frequency in gnomAD. In conclusion, we classify GLA p.Gln99LysfsTer22 (c.295del) as a likely pathogenic variant.

Genome-Nilou Lab
Classification: Pathogenic for Fabry disease. Last evaluated: 2021-07-15. Review status: criteria provided, single submitter. Criteria: ACMG Guidelines, 2015. Collection method: clinical testing. Allele origin: germline. Affected: no.

Eurofins Ntd Llc (ga)
Classification: Pathogenic. Last evaluated: 2018-08-17. Review status: criteria provided, single submitter. Criteria: EGL ClinVar v180209 classification definitions. Collection method: clinical testing. Allele origin: germline.

CHEO Genetics Diagnostic Laboratory, Children's Hospital of Eastern Ontario
Classification: Likely pathogenic for Cardiomyopathy. Last evaluated: 2017-08-31. Review status: criteria provided, single submitter. Criteria: ACMG Guidelines, 2015. Collection method: clinical testing. Allele origin: germline. Study: Canadian Open Genetics Repository.

Literature cited by the submitters: PubMed 41204227 (cited by Genomenon, Inc).

NM_000169.3(GLA):c.295del (p.Gln99fs)

Genes: GLA (galactosidase alpha; minus strand), RPL36A-HNRNPH2 (RPL36A-HNRNPH2 readthrough; plus strand). Cytogenetic location: Xq22.1.
Variant type: Deletion.
Coding change: c.295del on transcript NM_000169.3 (MANE Select); coding-DNA position 295, one base deleted (C; older notation c.295delC).
Protein change: p.Gln99fs; shifts the reading frame from glutamine 99.
Molecular consequence: frameshift variant. On other transcripts: non-coding transcript variant (3), intron variant (2).
Genome position (GRCh38, 1-based): chrX:101,403,885, G deleted on the plus strand (C on the coding strand, the reverse complement: GLA is on the minus strand); the first of 4 consecutive G bases (chrX:101,403,885-101,403,888); deleting any one gives the same sequence. VCF-style (leftmost placement, unchanged base first): chrX-101403884-TG-T. GRCh37 (hg19) VCF-style: chrX-100658872-TG-T.
Other names: c.292delC, p.Gln99Lysfs (NM_000169.2); c.418del, p.Gln140fs (NM_001406747.1, NM_001406749.1); c.295del, p.Gln99fs (NM_001406748.1); c.301-8048del (NM_001199973.2); c.178-8048del (NM_001199974.2); short protein forms Q99fs, Q140fs.
Identifiers: ClinVar variation 598463 (VCV000598463.10), dbSNP rs886039136, ClinGen allele CA913190390.